The following is an entry in ClinVar:

ClinVar aggregate classification (germline): Conflicting classifications of pathogenicity. Review status: criteria provided, conflicting classifications (1 of 4 stars). 2 submissions from 2 submitters: Pathogenic (1); Uncertain significance (1). Last evaluated 2024-01-17.

gnomAD v4.1: 1 of 1,613,686 alleles (0.000062%); highest among the groups gnomAD compares: Non-Finnish European, 0.000085%; no homozygotes.

Submissions (2):

GeneDx
Classification: Pathogenic. Last evaluated: 2024-01-17. Review status: criteria provided, single submitter. Criteria: GeneDx Variant Classification Process June 2021. Collection method: clinical testing. Allele origin: germline. Affected: yes.
Comment: Nonsense variant predicted to result in protein truncation or nonsense mediated decay in a gene for which loss of function is a known mechanism of disease; Not observed at significant frequency in large population cohorts (gnomAD); Has not been previously published as pathogenic or benign to our knowledge

Blueprint Genetics
Classification: Uncertain significance. Last evaluated: 2022-02-11. Review status: criteria provided, single submitter. Criteria: ACMG Guidelines, 2015. Collection method: clinical testing. Allele origin: germline.

NM_015057.5(MYCBP2):c.2803C>T (p.Arg935Ter)

Gene: MYCBP2 (MYC binding protein 2; minus strand). Cytogenetic location: 13q22.3.
Variant type: single nucleotide variant.
Coding change: c.2803C>T on transcript NM_015057.5 (MANE Select); coding-DNA position 2803, C replaced by T.
Protein change: p.Arg935Ter; replaces arginine 935 with a stop codon.
Molecular consequence: nonsense.
Genome position (GRCh38, 1-based): chr13:77,225,489, G>A on the plus strand (C>T on the coding strand, the complement: MYCBP2 is on the minus strand). VCF-style: chr13-77225489-G-A. GRCh37 (hg19) VCF-style: chr13-77799624-G-A.
Other names: short protein forms R935*.
Identifiers: ClinVar variation 3343001 (VCV003343001.2).